The following is an entry in ClinVar:

ClinVar aggregate classification (germline): Pathogenic (1 of 4 stars; one submission).

Conditions:
Mucopolysaccharidosis, MPS-II (MPS2). Also called: Hunter Syndrome; IDURONATE 2-SULFATASE DEFICIENCY; Mucopolysaccharidosis Type II; Mucopolysaccharidosis type 2; Attenuated MPS (subtype; formerly known as mild MPS II); Severe MPS II. Identifiers: Orphanet 580, Orphanet 79388, MedGen C0026705, MONDO:0010674, OMIM 309900.

Submission:

Laboratory of Diagnosis and Therapy of Lysosomal Disorders, University of Padova
Classification: Pathogenic for Mucopolysaccharidosis, MPS-II. Last evaluated: 2024-06-07. Review status: criteria provided, single submitter. Criteria: ACMG Guidelines, 2015. Collection method: literature only. Allele origin: germline. Affected: yes. Observed: 2 variant alleles.
Comment: Null variant (PVS1_VeryStrong), Absent from controls (or at low frequency) in gnomAD database (PM2_Moderate), Patient’s phenotype or family history highly specific for the disease (PP4_Strong)

Classification method: ACMG Guidelines [PMID:25741868] with modifications

Literature cited by the submitters: PubMed 36713083.

NM_000202.8(IDS):c.449del (p.Pro150fs)

Genes: IDS (iduronate 2-sulfatase; minus strand), LOC106050102 (IDS recombination region; plus strand). Cytogenetic location: Xq28.
Variant type: Deletion.
Coding change: c.449del on transcript NM_000202.8 (MANE Select); coding-DNA position 449, one base deleted (C; older notation c.449delC).
Protein change: p.Pro150fs; shifts the reading frame from proline 150.
Molecular consequence: frameshift variant. On other transcripts: non-coding transcript variant (1).
Genome position (GRCh38, 1-based): chrX:149,501,007, G deleted on the plus strand (C on the coding strand, the reverse complement: IDS is on the minus strand); the first of 2 consecutive G bases (chrX:149,501,007-149,501,008); deleting either gives the same sequence. VCF-style (leftmost placement, unchanged base first): chrX-149501006-CG-C. GRCh37 (hg19) VCF-style: chrX-148582537-CG-C.
Other names: c.179del, p.Pro60fs (NM_001166550.4); c.449del, p.Pro150fs (NM_006123.5); short protein forms P150fs, P60fs.
Identifiers: ClinVar variation 3255734 (VCV003255734.2).